The following is an entry in ClinVar:

ClinVar aggregate classification (germline): Uncertain significance (1 of 4 stars; one submission).

Allele frequency attached by ClinVar (database versions not stated): ExAC 0.00002.

Submission:

Labcorp Genetics (formerly Invitae), Labcorp
Classification: Uncertain significance. Last evaluated: 2022-08-18. Review status: criteria provided, single submitter. Criteria: Invitae Variant Classification Sherloc (09022015). Collection method: clinical testing. Allele origin: germline.
Comment: In summary, the available evidence is currently insufficient to determine the role of this variant in disease. Therefore, it has been classified as a Variant of Uncertain Significance. Algorithms developed to predict the effect of missense changes on protein structure and function (SIFT, PolyPhen-2, Align-GVGD) all suggest that this variant is likely to be tolerated. This variant has not been reported in the literature in individuals affected with C1QB-related conditions. This variant is present in population databases (rs763937694, gnomAD 0.002%). This sequence change replaces threonine, which is neutral and polar, with isoleucine, which is neutral and non-polar, at codon 204 of the C1QB protein (p.Thr204Ile).

NM_001378156.1(C1QB):c.605C>T (p.Thr202Ile)

Gene: C1QB (complement C1q B chain; plus strand). Cytogenetic location: 1p36.12.
Variant type: single nucleotide variant.
Coding change: c.605C>T on transcript NM_001378156.1 (MANE Select); coding-DNA position 605, C replaced by T.
Protein change: p.Thr202Ile; replaces threonine 202 with isoleucine.
Molecular consequence: missense variant.
Genome position (GRCh38, 1-based): chr1:22,661,235, C>T. VCF-style: chr1-22661235-C-T. GRCh37 (hg19) VCF-style: chr1-22987728-C-T.
Other names: c.611C>T, p.Thr204Ile (NM_000491.5); c.605C>T, p.Thr202Ile (NM_001371184.3); short protein forms T202I, T204I.
Identifiers: ClinVar variation 2124314 (VCV002124314.4), dbSNP rs763937694, ClinGen allele CA678200.